The following is an entry in ClinVar:

ClinVar aggregate classification (germline): Uncertain significance (1 of 4 stars; one submission).

Submission:

CeGaT Center for Human Genetics Tuebingen
Classification: Uncertain significance. Last evaluated: 2022-09-01. Review status: criteria provided, single submitter. Criteria: CeGaT Center For Human Genetics Tuebingen Variant Classification Criteria Version 2. Collection method: clinical testing. Allele origin: germline. Affected: yes. Observed: 1 variant allele.
Comment: DRP2: PM2, PP3

NM_001939.3(DRP2):c.1897A>G (p.Ile633Val)

Gene: DRP2 (dystrophin related protein 2; plus strand). Cytogenetic location: Xq22.1.
Variant type: single nucleotide variant.
Coding change: c.1897A>G on transcript NM_001939.3 (MANE Select); coding-DNA position 1897, A replaced by G.
Protein change: p.Ile633Val; replaces isoleucine 633 with valine.
Molecular consequence: missense variant.
Genome position (GRCh38, 1-based): chrX:101,252,636, A>G. VCF-style: chrX-101252636-A-G. GRCh37 (hg19) VCF-style: chrX-100507625-A-G.
Other names: c.1663A>G, p.Ile555Val (NM_001171184.2); short protein forms I555V, I633V.
Identifiers: ClinVar variation 1711715 (VCV001711715.30), dbSNP rs2520284448, ClinGen allele CA413932985.